The following is an entry in ClinVar:

NM_006904.7(PRKDC):c.4867C>A (p.Leu1623Met)

Gene: PRKDC (protein kinase, DNA-activated, catalytic subunit; minus strand). Cytogenetic location: 8q11.21.
Variant type: single nucleotide variant.
Coding change: c.4867C>A on transcript NM_006904.7 (MANE Select); coding-DNA position 4867, C replaced by A.
Protein change: p.Leu1623Met; replaces leucine 1623 with methionine.
Molecular consequence: missense variant.
Genome position (GRCh38, 1-based): chr8:47,882,007, G>T on the plus strand (C>A on the coding strand, the complement: PRKDC is on the minus strand). VCF-style: chr8-47882007-G-T. GRCh37 (hg19) VCF-style: chr8-48794568-G-T.
Other names: c.4867C>A, p.Leu1623Met (NM_001081640.2); short protein forms L1623M.
Identifiers: ClinVar variation 475228 (VCV000475228.7), dbSNP rs1554638445, ClinGen allele CA371141956.

ClinVar aggregate classification (germline): Uncertain significance (1 of 4 stars; one submission).

Conditions:
Severe combined immunodeficiency due to DNA-PKcs deficiency. Also called: IMMUNODEFICIENCY 26 WITH NEUROLOGIC ABNORMALITIES; Immunodeficiency 26 with or without neurologic abnormalities. Identifiers: Orphanet 317425, MedGen C4014833, MONDO:0014423, OMIM 615966.

Allele frequency attached by ClinVar (database versions not stated): TOPMed 0.00001.
gnomAD v4.1: 2 of 1,614,064 alleles (0.00012%); highest among the groups gnomAD compares: Non-Finnish European, 0.00017%; no homozygotes.

Submission:

Labcorp Genetics (formerly Invitae), Labcorp
Classification: Uncertain significance for Severe combined immunodeficiency due to DNA-PKcs deficiency. Last evaluated: 2017-06-22. Review status: criteria provided, single submitter. Criteria: Invitae Variant Classification Sherloc (09022015). Collection method: clinical testing. Allele origin: germline.
Comment: This sequence change replaces leucine with methionine at codon 1623 of the PRKDC protein (p.Leu1623Met). The leucine residue is highly conserved and there is a small physicochemical difference between leucine and methionine. Algorithms developed to predict the effect of missense changes on protein structure and function do not agree on the potential impact of this missense change (SIFT: "Tolerated"; PolyPhen-2: "Probably Damaging"; Align-GVGD: "Class C0"). This variant has not been reported in the literature in individuals with PRKDC-related disease. This variant is not present in population databases (ExAC no frequency). In summary, the available evidence is currently insufficient to determine the role of this variant in disease. Therefore, it has been classified as a Variant of Uncertain Significance.